The following is an entry in ClinVar:

NM_002227.4(JAK1):c.925A>G (p.Asn309Asp)

Gene: JAK1 (Janus kinase 1; minus strand). Cytogenetic location: 1p31.3.
Variant type: single nucleotide variant.
Coding change: c.925A>G on transcript NM_002227.4 (MANE Select); coding-DNA position 925, A replaced by G.
Protein change: p.Asn309Asp; replaces asparagine 309 with aspartic acid.
Molecular consequence: missense variant.
Genome position (GRCh38, 1-based): chr1:64,866,931, T>C on the plus strand (A>G on the coding strand, the complement: JAK1 is on the minus strand). VCF-style: chr1-64866931-T-C. GRCh37 (hg19) VCF-style: chr1-65332614-T-C.
Other names: c.925A>G, p.Asn309Asp (NM_001320923.2, NM_001321852.2, NM_001321853.2 and 4 more transcripts); short protein forms N309D.
Identifiers: ClinVar variation 4779343 (VCV004779343.1).
Genomic context (GRCh38, chr1:64,866,931, plus strand): 5'-GTTTATGCCTCCACTGGATTCCAAGATTCCCAGTCACCATCACTTCGTAGTAGAGAACGT[T>C]TCCACCGTCATTCGAATGAAACCAATTCATCTCATTTTCTGATGAAATCAGTAACATGGA-3'
Protein context (NP_002218.2, residues 299-319): MNWFHSNDGG[Asn309Asp]VLYYEVMVTG

ClinVar aggregate classification (germline): Uncertain significance (1 of 4 stars; one submission).

Submission:

Labcorp Genetics (formerly Invitae), Labcorp
Classification: Uncertain significance. Last evaluated: 2025-07-03. Review status: criteria provided, single submitter. Criteria: Invitae Variant Classification Sherloc (09022015). Collection method: clinical testing. Allele origin: germline.
Comment: This sequence change replaces asparagine, which is neutral and polar, with aspartic acid, which is acidic and polar, at codon 309 of the JAK1 protein (p.Asn309Asp). This variant is not present in population databases (gnomAD no frequency). This variant has not been reported in the literature in individuals affected with JAK1-related conditions. Invitae Evidence Modeling of protein sequence and biophysical properties (such as structural, functional, and spatial information, amino acid conservation, physicochemical variation, residue mobility, and thermodynamic stability) indicates that this missense variant is not expected to disrupt JAK1 protein function with a negative predictive value of 80%. In summary, the available evidence is currently insufficient to determine the role of this variant in disease. Therefore, it has been classified as a Variant of Uncertain Significance.